The following is an entry in ClinVar:

ClinVar aggregate classification (germline): Uncertain significance (1 of 4 stars; one submission).

Conditions:
Retinitis pigmentosa 80 (RP80). Identifiers: MedGen C4540439, MONDO:0054708, OMIM 617781.

Submission:

3billion
Classification: Uncertain significance for Retinitis pigmentosa 80. Last evaluated: 2025-05-08. Review status: criteria provided, single submitter. Criteria: ACMG Guidelines, 2015. Collection method: clinical testing. Allele origin: germline. Affected: yes.
Comment: The variant is not observed in the gnomAD v4.1.0 dataset. Predicted Consequence/Location: Missense variant. The majority of the known disease-causing variants of this gene are variants expected to result in premature termination of the protein. In silico tool predictions suggest damaging effect of the variant on gene or gene product [REVEL: 0.91 (>=0.6, sensitivity 0.68 and specificity 0.92)]. Therefore, this variant is classified as VUS according to the recommendation of ACMG/AMP guideline.

NM_014714.4(IFT140):c.1178T>C (p.Leu393Pro)

Genes: IFT140 (intraflagellar transport 140; minus strand), LOC105371046 (uncharacterized LOC105371046; plus strand). Cytogenetic location: 16p13.3.
Variant type: single nucleotide variant.
Coding change: c.1178T>C on transcript NM_014714.4 (MANE Select); coding-DNA position 1178, T replaced by C.
Protein change: p.Leu393Pro; replaces leucine 393 with proline.
Molecular consequence: missense variant.
Genome position (GRCh38, 1-based): chr16:1,584,398, A>G on the plus strand (T>C on the coding strand, the complement: IFT140 is on the minus strand). VCF-style: chr16-1584398-A-G. GRCh37 (hg19) VCF-style: chr16-1634399-A-G.
Other names: short protein forms L393P.
Identifiers: ClinVar variation 4854716 (VCV004854716.1).